The following is an entry in ClinVar:

ClinVar aggregate classification (germline): Uncertain significance (1 of 4 stars; one submission).

Conditions:
ITSN1-related disorder. Also called: ITSN1-related condition.

Submission:

PreventionGenetics, part of Exact Sciences
Classification: Uncertain significance for ITSN1-related condition. Last evaluated: 2025-11-03. Review status: criteria provided, single submitter. Criteria: ACMG Guidelines, 2015. Collection method: clinical testing. Allele origin: germline.
Comment: The ITSN1 c.3228delT variant is predicted to result in a frameshift and premature protein termination (p.Glu1077Lysfs*24). To our knowledge, this variant has not been reported in the literature or in a large population database (gnomAD), indicating this variant is rare. Although we suspect that this variant may be pathogenic, at this time, the clinical significance of this variant is uncertain due to the absence of conclusive functional and genetic evidence.

NM_003024.3(ITSN1):c.3228del (p.Glu1077fs)

Gene: ITSN1 (intersectin 1; plus strand). Cytogenetic location: 21q22.11.
Variant type: Deletion.
Coding change: c.3228del on transcript NM_003024.3 (MANE Select); coding-DNA position 3228, one base deleted (T; older notation c.3228delT).
Protein change: p.Glu1077fs; shifts the reading frame from glutamic acid 1077.
Molecular consequence: frameshift variant. On other transcripts: intron variant (2).
Genome position (GRCh38, 1-based): chr21:33,826,862, T deleted. VCF-style (leftmost placement, unchanged base first): chr21-33826861-CT-C. GRCh37 (hg19) VCF-style: chr21-35199165-CT-C.
Other names: c.3228del, p.Glu1077fs (NM_001001132.2); c.3213del, p.Glu1072fs (NM_001331009.2, NM_001331010.2); c.3102del, p.Glu1035fs (NM_001331012.2); c.3017-2762del (NM_001331008.2); c.3002-2762del (NM_001331011.2); short protein forms E1077fs, E1072fs, E1035fs.
Identifiers: ClinVar variation 4992305 (VCV004992305.1).